The following is an entry in ClinVar:

ClinVar aggregate classification (germline): Likely benign (1 of 4 stars; one submission).

gnomAD v4.1: 1 of 1,613,682 alleles (0.000062%); highest among the groups gnomAD compares: East Asian, 0.0022%; no homozygotes.

Submission:

CeGaT Center for Human Genetics Tuebingen
Classification: Likely benign. Last evaluated: 2026-06-01. Review status: criteria provided, single submitter. Criteria: CeGaT Center For Human Genetics Tuebingen Variant Classification Criteria Version 2. Collection method: clinical testing. Allele origin: germline. Affected: yes. Observed: 1 variant allele.
Comment: GUSB: BP4, BP7

NM_000181.4(GUSB):c.939G>A (p.Leu313=)

Gene: GUSB (glucuronidase beta; minus strand). Cytogenetic location: 7q11.21.
Variant type: single nucleotide variant.
Coding change: c.939G>A on transcript NM_000181.4 (MANE Select); coding-DNA position 939, G replaced by A.
Protein change: p.Leu313=; no amino-acid change (leucine 313 retained).
Molecular consequence: synonymous variant. On other transcripts: non-coding transcript variant (1).
Genome position (GRCh38, 1-based): chr7:65,975,045, C>T on the plus strand (G>A on the coding strand, the complement: GUSB is on the minus strand). VCF-style: chr7-65975045-C-T. GRCh37 (hg19) VCF-style: chr7-65440032-C-T.
Other names: c.501G>A, p.Leu167= (NM_001284290.2); c.369G>A, p.Leu123= (NM_001293104.2); c.282G>A, p.Leu94= (NM_001293105.2).
Identifiers: ClinVar variation 4875258 (VCV004875258.2).